The following is an entry in ClinVar:

NM_020041.3(SLC2A9):c.538G>A (p.Val180Ile)

Gene: SLC2A9 (solute carrier family 2 member 9; minus strand). Cytogenetic location: 4p16.1.
Variant type: single nucleotide variant.
Coding change: c.538G>A on transcript NM_020041.3 (MANE Select); coding-DNA position 538, G replaced by A.
Protein change: p.Val180Ile; replaces valine 180 with isoleucine.
Molecular consequence: missense variant.
Genome position (GRCh38, 1-based): chr4:9,980,735, C>T on the plus strand (G>A on the coding strand, the complement: SLC2A9 is on the minus strand). VCF-style: chr4-9980735-C-T. GRCh37 (hg19) VCF-style: chr4-9982359-C-T.
Other names: c.451G>A, p.Val151Ile (NM_001001290.2); short protein forms V151I, V180I.
Identifiers: ClinVar variation 1017579 (VCV001017579.11), dbSNP rs370374119, ClinGen allele CA2857182.
Genomic context (GRCh38, chr4:9,980,735, plus strand): 5'-AGCCACGGATCTCCTTGGGTGAGATCTCACTAAGGTACATGGGGAGCACACTGAGGGCGA[C>T]GCCTGTAGAGAGAAAGCATAGCAGCAGTTAGAGAGGTGTCTTCCCGGGGGAGCTGCACTC-3'
Protein context (NP_064425.2, residues 170-190): GRFIMGIDGG[Val180Ile]ALSVLPMYLS

ClinVar aggregate classification (germline): Uncertain significance. Review status: criteria provided, multiple submitters, no conflicts (2 of 4 stars). 2 submissions from 2 submitters: Uncertain significance (2). Last evaluated 2025-07-28.

Conditions:
Hypouricemia, renal, 2. Also called: HYPOURICEMIA, RENAL, 2, AUTOSOMAL DOMINANT; HYPOURICEMIA, RENAL, 2, AUTOSOMAL RECESSIVE. Identifiers: MedGen C2677549, MONDO:0012793, OMIM 612076.

Allele frequency attached by ClinVar (database versions not stated): gnomAD exomes 0.00002; TOPMed 0.00002; gnomAD 0.00003.
gnomAD v4.1: 27 of 1,614,028 alleles (0.0017%); highest among the groups gnomAD compares: Middle Eastern, 0.12%; no homozygotes.

Submissions (2):

Labcorp Genetics (formerly Invitae), Labcorp
Classification: Uncertain significance. Last evaluated: 2025-07-28. Review status: criteria provided, single submitter. Criteria: Invitae Variant Classification Sherloc (09022015). Collection method: clinical testing. Allele origin: germline.
Comment: This sequence change replaces valine, which is neutral and non-polar, with isoleucine, which is neutral and non-polar, at codon 180 of the SLC2A9 protein (p.Val180Ile). The frequency data for this variant in the population databases is considered unreliable, as metrics indicate poor data quality at this position in the gnomAD database. This variant has not been reported in the literature in individuals affected with SLC2A9-related conditions. ClinVar contains an entry for this variant (Variation ID: 1017579). An algorithm developed to predict the effect of missense changes on protein structure and function outputs the following: PolyPhen-2: "Benign". The isoleucine amino acid residue is found in multiple mammalian species, which suggests that this missense change does not adversely affect protein function. In summary, the available evidence is currently insufficient to determine the role of this variant in disease. Therefore, it has been classified as a Variant of Uncertain Significance.

Fulgent Genetics
Classification: Uncertain significance for Hypouricemia, renal, 2. Last evaluated: 2021-08-06. Review status: criteria provided, single submitter. Criteria: ACMG Guidelines, 2015. Collection method: clinical testing. Allele origin: unknown.